The following is an entry in ClinVar:

NM_003190.5(TAPBP):c.779C>G (p.Thr260Arg)

Gene: TAPBP (TAP binding protein; minus strand). Cytogenetic location: 6p21.32.
Variant type: single nucleotide variant.
Coding change: c.779C>G on transcript NM_003190.5 (MANE Select); coding-DNA position 779, C replaced by G.
Protein change: p.Thr260Arg; replaces threonine 260 with arginine.
Molecular consequence: missense variant.
Genome position (GRCh38, 1-based): chr6:33,305,078, G>C on the plus strand (C>G on the coding strand, the complement: TAPBP is on the minus strand). VCF-style: chr6-33305078-G-C. GRCh37 (hg19) VCF-style: chr6-33272855-G-C.
Other names: c.779C>G, p.Thr260Arg (NM_172208.3); c.518C>G, p.Thr173Arg (NM_172209.3); short protein forms T260R, T173R.
Identifiers: ClinVar variation 403518 (VCV000403518.21), dbSNP rs2071888, ClinGen allele CA3755808.

ClinVar aggregate classification (germline): Benign/Likely benign. Review status: criteria provided, multiple submitters, no conflicts (2 of 4 stars). 7 submissions from 7 submitters: Benign (6); Likely benign (1). Last evaluated 2026-02-04.

Conditions:
MHC class I deficiency. Identifiers: Orphanet 34592, MedGen C6024714, MONDO:0011476.

Allele frequency attached by ClinVar (database versions not stated): gnomAD exomes 0.55886; ExAC 0.56815; 1000 Genomes Project 0.59125; gnomAD 0.59439 and 0.59589; 1000 Genomes Project 30x 0.59838; TOPMed 0.60085; ESP Exome Variant Server 0.60764.
gnomAD v4.1: 876,639 of 1,613,886 alleles (54%); highest among the groups gnomAD compares: African/African-American, 74%; 241,705 homozygotes.

Submissions (7):

Labcorp Genetics (formerly Invitae), Labcorp
Classification: Benign for MHC class I deficiency 1. Last evaluated: 2026-02-04. Review status: criteria provided, single submitter. Criteria: Invitae Variant Classification Sherloc (09022015). Collection method: clinical testing. Allele origin: germline.

Women's Health and Genetics/Laboratory Corporation of America, LabCorp
Classification: Benign. Last evaluated: 2026-01-21. Review status: criteria provided, single submitter. Criteria: LabCorp Variant Classification Summary - May 2015. Collection method: clinical testing. Allele origin: germline.

Blueprint Genetics
Classification: Likely benign. Last evaluated: 2024-11-27. Review status: criteria provided, single submitter. Criteria: ACMG Guidelines, 2015. Collection method: clinical testing. Allele origin: germline.

Genome-Nilou Lab
Classification: Benign for MHC class I deficiency 1. Last evaluated: 2021-07-15. Review status: criteria provided, single submitter. Criteria: ACMG Guidelines, 2015. Collection method: clinical testing. Allele origin: germline. Affected: no.

Mendelics
Classification: Benign for MHC class I deficiency 1. Last evaluated: 2019-05-28. Review status: criteria provided, single submitter. Criteria: Mendelics Assertion Criteria 2017. Collection method: clinical testing. Allele origin: unknown.

Mayo Clinic Laboratories, Mayo Clinic
Classification: Benign. Last evaluated: 2018-03-21. Review status: criteria provided, single submitter. Criteria: ACMG Guidelines, 2015. Collection method: clinical testing. Allele origin: germline. Observed: 74 variant alleles.

Laboratory for Molecular Medicine, Mass General Brigham Personalized Medicine
Classification: Benign. Last evaluated: 2016-03-28. Review status: criteria provided, single submitter. Criteria: LMM Criteria. Collection method: clinical testing. Allele origin: germline.
Comment: Variant identified in a genome or exome case(s) and assessed due to predicted null impact of the variant or pathogenic assertions in the literature or databases. Disclaimer: This variant has not undergone full assessment. The following are preliminary notes: Frequency, associated with juvenile rheumatoid arthritis